The following is an entry in ClinVar:

NM_006587.4(CORIN):c.2365+3G>A

Gene: CORIN (corin, serine peptidase; minus strand). Cytogenetic location: 4p12.
Variant type: single nucleotide variant.
Coding change: c.2365+3G>A on transcript NM_006587.4 (MANE Select); 3 bases into the intron after coding-DNA position 2365, G replaced by A.
Molecular consequence: intron variant.
Genome position (GRCh38, 1-based): chr4:47,623,896, C>T on the plus strand (G>A on the coding strand, the complement: CORIN is on the minus strand). VCF-style: chr4-47623896-C-T. GRCh37 (hg19) VCF-style: chr4-47625913-C-T.
Other names: c.2053+3G>A (NM_001278585.2).
Identifiers: ClinVar variation 3033280 (VCV003033280.2), dbSNP rs1033241784, ClinGen allele CA96656705.
Genomic context (GRCh38, chr4:47,623,896, plus strand): 5'-TCCCCTGAGCCAATCCAGTTCAATTAAGTTCATATCCCATTGCCACACCTCTAATTCTCT[C>T]ACCTTGTTTAGTACACAGAAGAGAAATTTTACTTCTGCTCTCACAAGACTGCCTGGATTT-3'

ClinVar aggregate classification (germline): Likely benign (0 of 4 stars; one submission).

Conditions:
CORIN-related disorder. Also called: CORIN-related condition.

Allele frequency attached by ClinVar (database versions not stated): gnomAD exomes 0.00001; gnomAD 0.00005; TOPMed 0.00012.
gnomAD v4.1: 10 of 1,613,526 alleles (0.00062%); highest among the groups gnomAD compares: Admixed American, 0.017%; no homozygotes.

Submission:

PreventionGenetics, part of Exact Sciences
Classification: Likely benign for CORIN-related condition. Last evaluated: 2019-06-18. Review status: no assertion criteria provided. Collection method: clinical testing. Allele origin: germline.
Comment: This variant is classified as likely benign based on ACMG/AMP sequence variant interpretation guidelines (Richards et al. 2015 PMID: 25741868, with internal and published modifications).